The following is an entry in ClinVar:

ClinVar aggregate classification (germline): Pathogenic/Likely pathogenic. Review status: criteria provided, multiple submitters, no conflicts (2 of 4 stars). 3 submissions from 3 submitters: Pathogenic (1); Likely pathogenic (1). 1 of the submissions does not count toward it. Last evaluated 2025-12-26.

Conditions:
Achondrogenesis, type IB (ACG1B). Also called: Achondrogenesis Type 1B. Identifiers: Orphanet 932, Orphanet 93298, MedGen C0265274, MONDO:0010966, OMIM 600972.
Osteochondrodysplasia. Identifiers: MedGen C0029422, MONDO:0005516.
Multiple epiphyseal dysplasia type 4 (EDM4). Also called: MULTIPLE EPIPHYSEAL DYSPLASIA WITH BILAYERED PATELLAE; MULTIPLE EPIPHYSEAL DYSPLASIA WITH CLUBFOOT; MULTIPLE EPIPHYSEAL DYSPLASIA, AUTOSOMAL RECESSIVE; SLC26A2-Related Multiple Epiphyseal Dysplasia; Multiple Epiphyseal Dysplasia, Recessive. Identifiers: Orphanet 93307, MedGen C1847593, MONDO:0009189, OMIM 226900.

Submissions (3):

Women's Health and Genetics/Laboratory Corporation of America, LabCorp
Classification: Pathogenic for Osteochondrodysplasia. Last evaluated: 2025-12-26. Review status: criteria provided, single submitter. Criteria: LabCorp Variant Classification Summary - May 2015. Collection method: clinical testing. Allele origin: germline.
Comment: Variant summary: SLC26A2 c.870delG (p.Trp290X) results in a premature termination codon, predicted to escape nonsense mediated decay (NMD) and cause a truncation of the encoded protein. This variant disrupts a region of the SLC26A2 protein in which other variant(s) (p.Ala715Val) have been determined to be pathogenic (PMID: 11448940, 15294877, 21077204).This suggests that this is a clinically significant region of the protein, and that variants that disrupt it are likely to be disease-causing. The variant was absent in 251188 control chromosomes. To our knowledge, no occurrence of c.870delG in individuals affected with SLC26A2-related conditions and no experimental evidence demonstrating its impact on protein function have been reported. ClinVar contains an entry for this variant (Variation ID: 551189). Based on the evidence outlined above, the variant was classified as pathogenic.

Natera, Inc.
Classification: Likely pathogenic for Achondrogenesis type IB. Last evaluated: 2024-06-13. Review status: criteria provided, single submitter. Criteria: Natera Variant Classification Schema (03/2026). Collection method: clinical testing. Allele origin: germline.
Comment: The c.870delG variant in SLC26A2 is a frameshift variant predicted to shift the reading frame and introduce a stop codon. This variant is expected to result in nonsense mediated decay, truncation, or a dysfunctional protein product. This variant is rare in the general population with a frequency below the threshold expected for the associated phenotype(s). Given the available evidence, this variant is classified as Likely Pathogenic.

Counsyl
Classification: Likely pathogenic for Multiple epiphyseal dysplasia type 4. Last evaluated: 2017-03-24. Review status: no assertion criteria provided. Collection method: clinical testing. Allele origin: unknown. Not counted in ClinVar's aggregate classification.

NM_000112.4(SLC26A2):c.870del (p.Thr289_Trp290insTer)

Gene: SLC26A2 (solute carrier family 26 member 2; plus strand). Cytogenetic location: 5q32.
Variant type: Deletion.
Coding change: c.870del on transcript NM_000112.4 (MANE Select); coding-DNA position 870, one base deleted (G; older notation c.870delG).
Protein change: p.Thr289_Trp290insTer.
Molecular consequence: nonsense.
Genome position (GRCh38, 1-based): chr5:149,980,463, G deleted; the last of 2 consecutive G bases (chr5:149,980,462-149,980,463); deleting either gives the same sequence. VCF-style (leftmost placement, unchanged base first): chr5-149980461-TG-T. GRCh37 (hg19) VCF-style: chr5-149360024-TG-T.
Other names: c.870delG (NM_000112.3, NM_000112.4).
Identifiers: ClinVar variation 551189 (VCV000551189.4), dbSNP rs1225601391, ClinGen allele CA658822216.